The following is an entry in ClinVar:

NM_004855.5(PIGB):c.10C>G (p.Pro4Ala)

Genes: PIGB (phosphatidylinositol glycan anchor biosynthesis class B; plus strand), LOC130057104 (ATAC-STARR-seq lymphoblastoid active region 9443; plus strand). Cytogenetic location: 15q21.3.
Variant type: single nucleotide variant.
Coding change: c.10C>G on transcript NM_004855.5 (MANE Select); coding-DNA position 10, C replaced by G.
Protein change: p.Pro4Ala; replaces proline 4 with alanine.
Molecular consequence: missense variant.
Genome position (GRCh38, 1-based): chr15:55,319,260, C>G. VCF-style: chr15-55319260-C-G. GRCh37 (hg19) VCF-style: chr15-55611458-C-G.
Other names: short protein forms P4A.
Identifiers: ClinVar variation 1922974 (VCV001922974.3), dbSNP rs765931863, ClinGen allele CA7573744.

ClinVar aggregate classification (germline): Uncertain significance (1 of 4 stars; one submission).

Allele frequency attached by ClinVar (database versions not stated): 1000 Genomes Project 30x 0.00031.
gnomAD v4.1: 17 of 1,606,206 alleles (0.0011%); highest among the groups gnomAD compares: East Asian, 0.013%; no homozygotes.

Submission:

Labcorp Genetics (formerly Invitae), Labcorp
Classification: Uncertain significance. Last evaluated: 2023-11-27. Review status: criteria provided, single submitter. Criteria: Invitae Variant Classification Sherloc (09022015). Collection method: clinical testing. Allele origin: germline.
Comment: This sequence change replaces proline, which is neutral and non-polar, with alanine, which is neutral and non-polar, at codon 4 of the PIGB protein (p.Pro4Ala). This variant is present in population databases (rs765931863, gnomAD 0.02%). This variant has not been reported in the literature in individuals affected with PIGB-related conditions. ClinVar contains an entry for this variant (Variation ID: 1922974). Algorithms developed to predict the effect of missense changes on protein structure and function output the following: SIFT: "Not Available"; PolyPhen-2: "Benign"; Align-GVGD: "Not Available". The alanine amino acid residue is found in multiple mammalian species, which suggests that this missense change does not adversely affect protein function. In summary, the available evidence is currently insufficient to determine the role of this variant in disease. Therefore, it has been classified as a Variant of Uncertain Significance.